The following is an entry in ClinVar:

ClinVar aggregate classification (germline): Likely benign. Review status: criteria provided, multiple submitters, no conflicts (2 of 4 stars). 3 submissions from 3 submitters: Likely benign (2). 1 of the submissions does not count toward it. Last evaluated 2025-10-18.

Conditions:
Glaucoma 1, open angle, F (GLC1F). Identifiers: MedGen C1863926, OMIM 603383, MONDO:0011311.

Allele frequency attached by ClinVar (database versions not stated): ESP Exome Variant Server 0.00062; gnomAD 0.00070 and 0.00073; gnomAD exomes 0.00100; TOPMed 0.00111; ExAC 0.00204; 1000 Genomes Project 0.00040; 1000 Genomes Project 30x 0.00047.
gnomAD v4.1: 1,521 of 1,587,348 alleles (0.096%); highest among the groups gnomAD compares: Admixed American, 0.16%; 2 homozygotes.

Submissions (3):

Labcorp Genetics (formerly Invitae), Labcorp
Classification: Likely benign. Last evaluated: 2025-10-18. Review status: criteria provided, single submitter. Criteria: Invitae Variant Classification Sherloc (09022015). Collection method: clinical testing. Allele origin: germline.

CeGaT Center for Human Genetics Tuebingen
Classification: Likely benign. Last evaluated: 2024-10-01. Review status: criteria provided, single submitter. Criteria: CeGaT Center For Human Genetics Tuebingen Variant Classification Criteria Version 2. Collection method: clinical testing. Allele origin: germline. Affected: yes. Observed: 1 variant allele.
Comment: ASB10: BP4, BS1

Casey Eye Institute Glaucoma Genetics Lab 
No classification provided. Condition: Glaucoma 1, open angle, F. Review status: no classification provided. Collection method: not provided. Allele origin: somatic. Not counted in ClinVar's aggregate classification.

NM_001142459.2(ASB10):c.565C>T (p.Arg189Trp)

Gene: ASB10 (ankyrin repeat and SOCS box containing 10; minus strand). Cytogenetic location: 7q36.1.
Variant type: single nucleotide variant.
Coding change: c.565C>T on transcript NM_001142459.2 (MANE Select); coding-DNA position 565, C replaced by T.
Protein change: p.Arg189Trp; replaces arginine 189 with tryptophan.
Molecular consequence: missense variant.
Genome position (GRCh38, 1-based): chr7:151,186,411, G>A on the plus strand (C>T on the coding strand, the complement: ASB10 is on the minus strand). VCF-style: chr7-151186411-G-A. GRCh37 (hg19) VCF-style: chr7-150883498-G-A.
Other names: c.565C>T, p.Arg189Trp (NM_001142460.1); c.520C>T, p.Arg174Trp (NM_080871.4); short protein forms R174W, R189W.
Identifiers: ClinVar variation 99959 (VCV000099959.20), dbSNP rs104886473, ClinGen allele CA150496.
Genomic context (GRCh38, chr7:151,186,411, plus strand): 5'-CTTCAGAGTGGAACTGGGGGTTGGGGTGAGGGGTCACTCACTCAAGGGTGCCAGGCCCCC[G>A]GCAGAGATGCAGGGGGCGTTTCCCATCCTGGTCAGCGATGTTGGGGTCGGCTCCTGCCAC-3'
Protein context (NP_001135931.2, residues 179-199): QDGKRPLHLC[Arg189Trp]GPGTLECAEL